The following is an entry in ClinVar:

NM_001015880.2(PAPSS2):c.1807C>T (p.Pro603Ser)

Gene: PAPSS2 (3'-phosphoadenosine 5'-phosphosulfate synthase 2; plus strand). Cytogenetic location: 10q23.31.
Variant type: single nucleotide variant.
Coding change: c.1807C>T on transcript NM_001015880.2 (MANE Select); coding-DNA position 1807, C replaced by T.
Protein change: p.Pro603Ser; replaces proline 603 with serine.
Molecular consequence: missense variant.
Genome position (GRCh38, 1-based): chr10:87,745,917, C>T. VCF-style: chr10-87745917-C-T. GRCh37 (hg19) VCF-style: chr10-89505674-C-T.
Other names: c.1792C>T, p.Pro598Ser (NM_004670.4); c.1792C>T (NM_004670.3); short protein forms P598S, P603S.
Identifiers: ClinVar variation 1382502 (VCV001382502.4), dbSNP rs760987617, ClinGen allele CA5589862.
Genomic context (GRCh38, chr10:87,745,917, plus strand): 5'-GGAACTCGAATGAGGAAGCTCGCCCGGGAAGGAGAGAATCCCCCAGATGGCTTCATGGCC[C>T]CCAAAGCATGGAAGGTCCTGACAGATTATTACAGGTCCCTGGAGAAGAACTAAGCCTTTG-3'
Protein context (NP_001015880.1, residues 593-613): GENPPDGFMA[Pro603Ser]KAWKVLTDYY

ClinVar aggregate classification (germline): Uncertain significance. Review status: criteria provided, multiple submitters, no conflicts (2 of 4 stars). 2 submissions from 2 submitters: Uncertain significance (2). Last evaluated 2023-12-19.

Conditions:
Spondyloepimetaphyseal dysplasia, PAPSS2 type. Also called: BRACHYOLMIA TYPE 4 WITH MILD EPIPHYSEAL AND METAPHYSEAL CHANGES; SPONDYLODYSPLASIA AND PREMATURE PUBARCHE; SEMD, PAKISTANI TYPE. Identifiers: Orphanet 93282, MedGen C2748516, MONDO:0019666, OMIM 612847.
Inborn genetic diseases. Identifiers: MedGen C0950123, MeSH D030342.

Allele frequency attached by ClinVar (database versions not stated): ExAC 0.00001; gnomAD 0.00001; gnomAD exomes 0.00001; TOPMed 0.00002.
gnomAD v4.1: 7 of 1,613,894 alleles (0.00043%); highest among the groups gnomAD compares: Admixed American, 0.01%; no homozygotes.

Submissions (2):

Ambry Genetics
Classification: Uncertain significance for Inborn genetic diseases. Last evaluated: 2023-12-19. Review status: criteria provided, single submitter. Criteria: Ambry Variant Classification Scheme 2023. Collection method: clinical testing. Allele origin: germline.

Labcorp Genetics (formerly Invitae), Labcorp
Classification: Uncertain significance for Spondyloepimetaphyseal dysplasia, PAPSS2 type. Last evaluated: 2021-09-19. Review status: criteria provided, single submitter. Criteria: Invitae Variant Classification Sherloc (09022015). Collection method: clinical testing. Allele origin: germline.
Comment: This sequence change replaces proline with serine at codon 603 of the PAPSS2 protein (p.Pro603Ser). The proline residue is highly conserved and there is a moderate physicochemical difference between proline and serine. This variant is present in population databases (rs760987617, ExAC 0.009%). This variant has not been reported in the literature in individuals affected with PAPSS2-related conditions. Algorithms developed to predict the effect of missense changes on protein structure and function are either unavailable or do not agree on the potential impact of this missense change (SIFT: "Deleterious"; PolyPhen-2: "Benign"; Align-GVGD: "Class C65"). In summary, the available evidence is currently insufficient to determine the role of this variant in disease. Therefore, it has been classified as a Variant of Uncertain Significance.